The following is an entry in ClinVar:

ClinVar aggregate classification (germline): Likely benign (1 of 4 stars; one submission).

Submission:

Women's Health and Genetics/Laboratory Corporation of America, LabCorp
Classification: Likely benign. Last evaluated: 2026-05-19. Review status: criteria provided, single submitter. Criteria: LabCorp Variant Classification Summary - May 2015. Collection method: clinical testing. Allele origin: germline.
Comment: Variant summary: DSG2 c.82-14T>A alters a nucleotide located at a position not widely known to affect splicing. Consensus agreement among computation tools predict no significant impact on normal splicing. However, these predictions have yet to be confirmed by functional studies. The variant was absent in 249206 control chromosomes. The available data on variant occurrences in the general population are insufficient to allow any conclusion about variant significance. To our knowledge, no occurrence of c.82-14T>A in individuals affected with DSG2-related conditions and no experimental evidence demonstrating its impact on protein function have been reported. No submitters have cited clinical-significance assessments for this variant to ClinVar. Based on the evidence outlined above, the variant was classified as likely benign.

NM_001943.5(DSG2):c.82-14T>A

Gene: DSG2 (desmoglein 2; plus strand). Cytogenetic location: 18q12.1.
Variant type: single nucleotide variant.
Coding change: c.82-14T>A on transcript NM_001943.5 (MANE Select); 14 bases into the intron before coding-DNA position 82, T replaced by A.
Molecular consequence: intron variant.
Genome position (GRCh38, 1-based): chr18:31,519,789, T>A. VCF-style: chr18-31519789-T-A. GRCh37 (hg19) VCF-style: chr18-29099752-T-A.
Identifiers: ClinVar variation 4853795 (VCV004853795.1).
Genomic context (GRCh38, chr18:31,519,789, plus strand): 5'-ATGTTATAGGACAGCATACTAATGTTCTATATTTATGACACATAATAAATTTTGGCAATA[T>A]TCTATTGTTATAGGTCTTAAGCACAAGAAATGAAAATAAGCTGCTTCCTAAACATCCTCA-3'